The following is an entry in ClinVar:

NM_005431.2(XRCC2):c.185C>A (p.Thr62Lys)

Gene: XRCC2 (X-ray repair cross complementing 2; minus strand). Cytogenetic location: 7q36.1.
Variant type: single nucleotide variant.
Coding change: c.185C>A on transcript NM_005431.2 (MANE Select); coding-DNA position 185, C replaced by A.
Protein change: p.Thr62Lys; replaces threonine 62 with lysine.
Molecular consequence: missense variant.
Genome position (GRCh38, 1-based): chr7:152,649,300, G>T on the plus strand (C>A on the coding strand, the complement: XRCC2 is on the minus strand). VCF-style: chr7-152649300-G-T. GRCh37 (hg19) VCF-style: chr7-152346385-G-T.
Other names: short protein forms T62K.
Identifiers: ClinVar variation 1781471 (VCV001781471.2), dbSNP rs1590129782, ClinGen allele CA370199242.

ClinVar aggregate classification (germline): Uncertain significance (1 of 4 stars; one submission).

Conditions:
Hereditary cancer-predisposing syndrome. Also called: Neoplastic Syndromes, Hereditary; Tumor predisposition; Hereditary Cancer Syndrome; Hereditary neoplastic syndrome. Identifiers: Orphanet 140162, MedGen C0027672, MeSH D009386, MONDO:0015356.

Submission:

Ambry Genetics
Classification: Uncertain significance for Hereditary cancer-predisposing syndrome. Last evaluated: 2021-12-22. Review status: criteria provided, single submitter. Criteria: Ambry Variant Classification Scheme 2023. Collection method: clinical testing. Allele origin: germline.
Comment: The p.T62K variant (also known as c.185C>A), located in coding exon 3 of the XRCC2 gene, results from a C to A substitution at nucleotide position 185. The threonine at codon 62 is replaced by lysine, an amino acid with similar properties. This amino acid position is conserved. In addition, the in silico prediction for this alteration is inconclusive. Since supporting evidence is limited at this time, the clinical significance of this alteration remains unclear.